The following is an entry in ClinVar:

ClinVar aggregate classification (germline): Uncertain significance (1 of 4 stars; one submission).

Conditions:
Hereditary spastic paraplegia 11. Also called: Nakamura Osame syndrome; Autosomal recessive hereditary spastic paraplegia, mental impairment, and thin corpus callosum; Spastic paraplegia, mental retardation and thin corpus callosum; SPASTIC PARAPLEGIA, AUTOSOMAL RECESSIVE, COMPLICATED, WITH THIN CORPUS CALLOSUM; SPASTIC PARAPLEGIA, AUTOSOMAL RECESSIVE, WITH MENTAL IMPAIRMENT AND THIN CORPUS CALLOSUM; Spastic Paraplegia 11. Identifiers: Orphanet 2822, MedGen C1858479, MONDO:0011445, OMIM 604360.

Allele frequency attached by ClinVar (database versions not stated): ExAC 0.00001; gnomAD 0.00001; gnomAD exomes 0.00001 and 0.00002; TOPMed 0.00002.
gnomAD v4.1: 29 of 1,613,832 alleles (0.0018%); highest among the groups gnomAD compares: Non-Finnish European, 0.0022%; no homozygotes.

Submissions (2):

Labcorp Genetics (formerly Invitae), Labcorp
Classification: Uncertain significance for Hereditary spastic paraplegia 11. Last evaluated: 2022-04-17. Review status: criteria provided, single submitter. Criteria: Invitae Variant Classification Sherloc (09022015). Collection method: clinical testing. Allele origin: germline.
Comment: This sequence change affects codon 2232 of the SPG11 mRNA. It is a 'silent' change, meaning that it does not change the encoded amino acid sequence of the SPG11 protein. This variant is present in population databases (rs758000490, gnomAD 0.004%). This variant has not been reported in the literature in individuals affected with SPG11-related conditions. ClinVar contains an entry for this variant (Variation ID: 534839). Algorithms developed to predict the effect of sequence changes on RNA splicing suggest that this variant may create or strengthen a splice site. In summary, the available evidence is currently insufficient to determine the role of this variant in disease. Therefore, it has been classified as a Variant of Uncertain Significance.

Dr. Peter K. Rogan Lab, Western University
No classification provided (evidence only). Condition: Familial cancer of breast. Review status: no classification provided. Collection method: in vitro. Allele origin: not applicable. Functional consequence: retained intron. Not counted in ClinVar's aggregate classification.

NM_025137.4(SPG11):c.6696C>T (p.Gly2232=)

Gene: SPG11 (SPG11 vesicle trafficking associated, spatacsin; minus strand). Cytogenetic location: 15q21.1.
Variant type: single nucleotide variant.
Coding change: c.6696C>T on transcript NM_025137.4 (MANE Select); coding-DNA position 6696, C replaced by T.
Protein change: p.Gly2232=; no amino-acid change (glycine 2232 retained).
Molecular consequence: synonymous variant.
Genome position (GRCh38, 1-based): chr15:44,567,482, G>A on the plus strand (C>T on the coding strand, the complement: SPG11 is on the minus strand). VCF-style: chr15-44567482-G-A. GRCh37 (hg19) VCF-style: chr15-44859680-G-A.
Other names: c.6357C>T, p.Gly2119= (NM_001160227.2).
Identifiers: ClinVar variation 534839 (VCV000534839.10), dbSNP rs758000490, ClinGen allele CA7534044.